The following is an entry in ClinVar:

NM_006662.3(SRCAP):c.3067C>G (p.Pro1023Ala)

Gene: SRCAP (Snf2 related CREBBP activator protein; plus strand). Cytogenetic location: 16p11.2.
Variant type: single nucleotide variant.
Coding change: c.3067C>G on transcript NM_006662.3 (MANE Select); coding-DNA position 3067, C replaced by G.
Protein change: p.Pro1023Ala; replaces proline 1023 with alanine.
Molecular consequence: missense variant.
Genome position (GRCh38, 1-based): chr16:30,720,792, C>G. VCF-style: chr16-30720792-C-G. GRCh37 (hg19) VCF-style: chr16-30732113-C-G.
Other names: short protein forms P1023A.
Identifiers: ClinVar variation 1464517 (VCV001464517.9), dbSNP rs886051903, ClinGen allele CA395613260.

ClinVar aggregate classification (germline): Uncertain significance. Review status: criteria provided, multiple submitters, no conflicts (2 of 4 stars). 2 submissions from 2 submitters: Uncertain significance (2). Last evaluated 2024-12-23.

Conditions:
Floating-Harbor syndrome (FLHS). Also called: Short stature with delayed bone age, expressive language delay, a triangular face with a prominent nose and deep-set eyes; Pelletier-Leisti syndrome; SRCAP-Related Floating-Harbor Syndrome. Identifiers: Orphanet 2044, MedGen C0729582, MONDO:0007621, OMIM 136140.
Developmental delay, hypotonia, musculoskeletal defects, and behavioral abnormalities. Identifiers: MedGen C5562012, MONDO:0859202, OMIM 619595.

Allele frequency attached by ClinVar (database versions not stated): gnomAD 0.00001; gnomAD exomes 0.00001; TOPMed 0.00002.
gnomAD v4.1: 19 of 1,614,004 alleles (0.0012%); highest among the groups gnomAD compares: Non-Finnish European, 0.0015%; no homozygotes.

Submissions (2):

Labcorp Genetics (formerly Invitae), Labcorp
Classification: Uncertain significance. Last evaluated: 2024-12-23. Review status: criteria provided, single submitter. Criteria: Invitae Variant Classification Sherloc (09022015). Collection method: clinical testing. Allele origin: germline.
Comment: This sequence change replaces proline, which is neutral and non-polar, with alanine, which is neutral and non-polar, at codon 1023 of the SRCAP protein (p.Pro1023Ala). This variant is present in population databases (no rsID available, gnomAD 0.002%). This variant has not been reported in the literature in individuals affected with SRCAP-related conditions. ClinVar contains an entry for this variant (Variation ID: 1464517). Invitae Evidence Modeling of protein sequence and biophysical properties (such as structural, functional, and spatial information, amino acid conservation, physicochemical variation, residue mobility, and thermodynamic stability) indicates that this missense variant is not expected to disrupt SRCAP protein function with a negative predictive value of 80%. In summary, the available evidence is currently insufficient to determine the role of this variant in disease. Therefore, it has been classified as a Variant of Uncertain Significance.

Fulgent Genetics
Classification: Uncertain significance for Floating-Harbor syndrome; Developmental delay, hypotonia, musculoskeletal defects, and behavioral abnormalities. Last evaluated: 2024-05-03. Review status: criteria provided, single submitter. Criteria: ACMG Guidelines, 2015. Collection method: clinical testing. Allele origin: germline.